The following is an entry in ClinVar:

ClinVar aggregate classification (germline): Conflicting classifications of pathogenicity. Review status: criteria provided, conflicting classifications (1 of 4 stars). 3 submissions from 3 submitters: Uncertain significance (2); Benign (1). Last evaluated 2026-03-27.

Conditions:
Inborn genetic diseases. Identifiers: MedGen C0950123, MeSH D030342.

Allele frequency attached by ClinVar (database versions not stated): gnomAD exomes below 0.00001; TOPMed 0.00002.
gnomAD v4.1: 1 of 1,614,060 alleles (0.000062%); highest among the groups gnomAD compares: African/African-American, 0.0013%; no homozygotes.

Submissions (3):

Ambry Genetics
Classification: Uncertain significance for Inborn genetic diseases. Last evaluated: 2026-03-27. Review status: criteria provided, single submitter. Criteria: Ambry Variant Classification Scheme 2023. Collection method: clinical testing. Allele origin: germline.
Comment: The c.4389T>G (p.I1463M) alteration is located in exon 54 (coding exon 54) of the COL2A1 gene. This alteration results from a T to G substitution at nucleotide position 4389, causing the isoleucine (I) at amino acid position 1463 to be replaced by a methionine (M). Based on data from gnomAD, the G allele has an overall frequency of <0.001% (1/251392) total alleles studied. The highest observed frequency was 0.006% (1/16256) of African alleles. Based on insufficient or conflicting evidence, the clinical significance of this alteration remains unclear.

Labcorp Genetics (formerly Invitae), Labcorp
Classification: Benign. Last evaluated: 2025-10-05. Review status: criteria provided, single submitter. Criteria: Invitae Variant Classification Sherloc (09022015). Collection method: clinical testing. Allele origin: germline.

GeneDx
Classification: Uncertain significance. Last evaluated: 2022-01-31. Review status: criteria provided, single submitter. Criteria: GeneDx Variant Classification Process June 2021. Collection method: clinical testing. Allele origin: germline. Affected: yes.
Comment: Not observed at significant frequency in large population cohorts (gnomAD); In silico analysis supports that this missense variant does not alter protein structure/function; Has not been previously published as pathogenic or benign to our knowledge

NM_001844.5(COL2A1):c.4389T>G (p.Ile1463Met)

Gene: COL2A1 (collagen type II alpha 1 chain; minus strand). Cytogenetic location: 12q13.11.
Variant type: single nucleotide variant.
Coding change: c.4389T>G on transcript NM_001844.5 (MANE Select); coding-DNA position 4389, T replaced by G.
Protein change: p.Ile1463Met; replaces isoleucine 1463 with methionine.
Molecular consequence: missense variant.
Genome position (GRCh38, 1-based): chr12:47,973,482, A>C on the plus strand (T>G on the coding strand, the complement: COL2A1 is on the minus strand). VCF-style: chr12-47973482-A-C. GRCh37 (hg19) VCF-style: chr12-48367265-A-C.
Other names: c.4182T>G, p.Ile1394Met (NM_033150.3); short protein forms I1394M, I1463M.
Identifiers: ClinVar variation 1699785 (VCV001699785.8), dbSNP rs1224083058, ClinGen allele CA384533226.